The following is an entry in ClinVar:

ClinVar aggregate classification (germline): Conflicting classifications of pathogenicity. Review status: criteria provided, conflicting classifications (1 of 4 stars). 2 submissions from 2 submitters: Likely pathogenic (1); Uncertain significance (1). Last evaluated 2024-11-25.

Conditions:
Hereditary cancer-predisposing syndrome. Also called: Neoplastic Syndromes, Hereditary; Tumor predisposition; Hereditary Cancer Syndrome; Hereditary neoplastic syndrome. Identifiers: Orphanet 140162, MedGen C0027672, MeSH D009386, MONDO:0015356.
Breast-ovarian cancer, familial, susceptibility to, 3. Also called: RAD51C-Related Breast/Ovarian Cancer. Identifiers: Orphanet 145, MedGen C3150659, MONDO:0013253, OMIM 613399.

Submissions (2):

Myriad Genetics, Inc.
Classification: Likely pathogenic for Breast-ovarian cancer, familial, susceptibility to, 3. Last evaluated: 2024-11-25. Review status: criteria provided, single submitter. Criteria: Myriad Autosomal Dominant, Autosomal Recessive and X-Linked Classification Criteria (2023). Collection method: clinical testing. Allele origin: unknown.
Comment: This variant is considered likely pathogenic. Functional studies indicate this variant impacts protein function [PMID: 39299233]. This variant is expected to disrupt protein structure [Myriad internal data].

Ambry Genetics
Classification: Uncertain significance for Hereditary cancer-predisposing syndrome. Last evaluated: 2024-08-18. Review status: criteria provided, single submitter. Criteria: Ambry Variant Classification Scheme 2023. Collection method: clinical testing. Allele origin: germline.
Comment: The p.R168S variant (also known as c.504A>C), located in coding exon 3 of the RAD51C gene, results from an A to C substitution at nucleotide position 504. The arginine at codon 168 is replaced by serine, an amino acid with dissimilar properties. This amino acid position is conserved. In addition, this alteration is predicted to be deleterious by in silico analysis. Based on the available evidence, the clinical significance of this variant remains unclear.

Literature cited by the submitters: PubMed 39299233 (cited by Myriad Genetics, Inc.).

NM_058216.3(RAD51C):c.504A>C (p.Arg168Ser)

Gene: RAD51C (RAD51 paralog C; plus strand). Cytogenetic location: 17q22.
Variant type: single nucleotide variant.
Coding change: c.504A>C on transcript NM_058216.3 (MANE Select); coding-DNA position 504, A replaced by C.
Protein change: p.Arg168Ser; replaces arginine 168 with serine.
Molecular consequence: missense variant.
Genome position (GRCh38, 1-based): chr17:58,696,792, A>C. VCF-style: chr17-58696792-A-C. GRCh37 (hg19) VCF-style: chr17-56774153-A-C.
Other names: short protein forms R168S.
Identifiers: ClinVar variation 3429711 (VCV003429711.2).
Genomic context (GRCh38, chr17:58,696,792, plus strand): 5'-TGGAGGAGTGGCAGGTGAAGCAGTTTTTATTGATACAGAGGGAAGTTTTATGGTTGATAG[A>C]GTGGTAGACCTTGCTACTGCCTGCATTCAGCACCTTCAGCTTATAGCAGAAAAACACAAG-3'
Protein context (NP_478123.1, residues 158-178): IDTEGSFMVD[Arg168Ser]VVDLATACIQ